The following is an entry in ClinVar:

ClinVar aggregate classification (germline): Uncertain significance (1 of 4 stars; one submission).

Submission:

Labcorp Genetics (formerly Invitae), Labcorp
Classification: Uncertain significance. Last evaluated: 2024-11-25. Review status: criteria provided, single submitter. Criteria: Invitae Variant Classification Sherloc (09022015). Collection method: clinical testing. Allele origin: germline.
Comment: This sequence change replaces histidine, which is basic and polar, with arginine, which is basic and polar, at codon 1253 of the GRIN2D protein (p.His1253Arg). The frequency data for this variant in the population databases is considered unreliable, as metrics indicate insufficient coverage at this position in the gnomAD database. This variant has not been reported in the literature in individuals affected with GRIN2D-related conditions. Invitae Evidence Modeling of protein sequence and biophysical properties (such as structural, functional, and spatial information, amino acid conservation, physicochemical variation, residue mobility, and thermodynamic stability) indicates that this missense variant is not expected to disrupt GRIN2D protein function with a negative predictive value of 95%. In summary, the available evidence is currently insufficient to determine the role of this variant in disease. Therefore, it has been classified as a Variant of Uncertain Significance.

NM_000836.4(GRIN2D):c.3758A>G (p.His1253Arg)

Gene: GRIN2D (glutamate ionotropic receptor NMDA type subunit 2D; plus strand). Cytogenetic location: 19q13.33.
Variant type: single nucleotide variant.
Coding change: c.3758A>G on transcript NM_000836.4 (MANE Select); coding-DNA position 3758, A replaced by G.
Protein change: p.His1253Arg; replaces histidine 1253 with arginine.
Molecular consequence: missense variant.
Genome position (GRCh38, 1-based): chr19:48,443,684, A>G. VCF-style: chr19-48443684-A-G. GRCh37 (hg19) VCF-style: chr19-48946941-A-G.
Other names: short protein forms H1253R.
Identifiers: ClinVar variation 3690427 (VCV003690427.2).